The following is an entry in ClinVar:

NM_001128840.3(CACNA1D):c.416A>G (p.Asn139Ser)

Gene: CACNA1D (calcium voltage-gated channel subunit alpha1 D; plus strand). Cytogenetic location: 3p21.1.
Variant type: single nucleotide variant.
Coding change: c.416A>G on transcript NM_001128840.3 (MANE Select); coding-DNA position 416, A replaced by G.
Protein change: p.Asn139Ser; replaces asparagine 139 with serine.
Molecular consequence: missense variant.
Genome position (GRCh38, 1-based): chr3:53,501,653, A>G. VCF-style: chr3-53501653-A-G. GRCh37 (hg19) VCF-style: chr3-53535680-A-G.
Other names: c.416A>G, p.Asn139Ser (NM_000720.4, NM_001128839.3); short protein forms N139S.
Identifiers: ClinVar variation 2876509 (VCV002876509.3), dbSNP rs2090609467, ClinGen allele CA353382686.

ClinVar aggregate classification (germline): Uncertain significance (1 of 4 stars; one submission).

Allele frequency attached by ClinVar (database versions not stated): gnomAD exomes below 0.00001; TOPMed below 0.00001.
gnomAD v4.1: 3 of 1,603,262 alleles (0.00019%); highest among the groups gnomAD compares: Non-Finnish European, 0.00026%; no homozygotes.

Submission:

Labcorp Genetics (formerly Invitae), Labcorp
Classification: Uncertain significance. Last evaluated: 2023-08-28. Review status: criteria provided, single submitter. Criteria: Invitae Variant Classification Sherloc (09022015). Collection method: clinical testing. Allele origin: germline.
Comment: This sequence change replaces asparagine, which is neutral and polar, with serine, which is neutral and polar, at codon 139 of the CACNA1D protein (p.Asn139Ser). In summary, the available evidence is currently insufficient to determine the role of this variant in disease. Therefore, it has been classified as a Variant of Uncertain Significance. Advanced modeling of protein sequence and biophysical properties (such as structural, functional, and spatial information, amino acid conservation, physicochemical variation, residue mobility, and thermodynamic stability) performed at Invitae indicates that this missense variant is expected to disrupt CACNA1D protein function. This variant has not been reported in the literature in individuals affected with CACNA1D-related conditions. This variant is not present in population databases (gnomAD no frequency).